The following is an entry in ClinVar:

NM_004447.6(EPS8):c.588C>T (p.Pro196=)

Gene: EPS8 (EGFR pathway substrate 8, signaling adaptor; minus strand). Cytogenetic location: 12p12.3.
Variant type: single nucleotide variant.
Coding change: c.588C>T on transcript NM_004447.6 (MANE Select); coding-DNA position 588, C replaced by T.
Protein change: p.Pro196=; no amino-acid change (proline 196 retained).
Molecular consequence: synonymous variant.
Genome position (GRCh38, 1-based): chr12:15,666,451, G>A on the plus strand (C>T on the coding strand, the complement: EPS8 is on the minus strand). VCF-style: chr12-15666451-G-A. GRCh37 (hg19) VCF-style: chr12-15819385-G-A.
Identifiers: ClinVar variation 722128 (VCV000722128.14), dbSNP rs145159890, ClinGen allele CA6467838.

ClinVar aggregate classification (germline): Benign/Likely benign. Review status: criteria provided, multiple submitters, no conflicts (2 of 4 stars). 5 submissions from 5 submitters: Benign (1); Likely benign (3). 1 of the submissions does not count toward it. Last evaluated 2025-10-08.

Conditions:
EPS8-related disorder. Also called: EPS8-related condition.

Allele frequency attached by ClinVar (database versions not stated): gnomAD exomes 0.00017 and 0.00063; ExAC 0.00068; gnomAD 0.00095 and 0.00098; TOPMed 0.00101; ESP Exome Variant Server 0.00115; 1000 Genomes Project 30x 0.00156; 1000 Genomes Project 0.00160.
gnomAD v4.1: 422 of 1,612,830 alleles (0.026%); highest among the groups gnomAD compares: East Asian, 0.37%; 1 homozygote.

Submissions (5):

Labcorp Genetics (formerly Invitae), Labcorp
Classification: Benign. Last evaluated: 2025-10-08. Review status: criteria provided, single submitter. Criteria: Invitae Variant Classification Sherloc (09022015). Collection method: clinical testing. Allele origin: germline.

Blueprint Genetics
Classification: Likely benign. Last evaluated: 2024-10-16. Review status: criteria provided, single submitter. Criteria: ACMG Guidelines, 2015. Collection method: clinical testing. Allele origin: germline.

GeneDx
Classification: Likely benign. Last evaluated: 2020-12-16. Review status: criteria provided, single submitter. Criteria: GeneDx Variant Classification Process June 2021. Collection method: clinical testing. Allele origin: germline. Affected: yes.

Breakthrough Genomics
Classification: Likely benign. Review status: criteria provided, single submitter. Criteria: ACMG Guidelines, 2015. Collection method: not provided. Allele origin: germline. Inheritance: Autosomal recessive inheritance. Affected: yes.

PreventionGenetics, part of Exact Sciences
Classification: Likely benign for EPS8-related condition. Last evaluated: 2024-08-23. Review status: no assertion criteria provided. Collection method: clinical testing. Allele origin: germline. Not counted in ClinVar's aggregate classification.
Comment: This variant is classified as likely benign based on ACMG/AMP sequence variant interpretation guidelines (Richards et al. 2015 PMID: 25741868, with internal and published modifications).